The following is an entry in ClinVar:

NM_014363.6(SACS):c.954A>G (p.Leu318=)

Gene: SACS (sacsin molecular chaperone; minus strand). Cytogenetic location: 13q12.12.
Variant type: single nucleotide variant.
Coding change: c.954A>G on transcript NM_014363.6 (MANE Select); coding-DNA position 954, A replaced by G.
Protein change: p.Leu318=; no amino-acid change (leucine 318 retained).
Molecular consequence: synonymous variant.
Genome position (GRCh38, 1-based): chr13:23,355,658, T>C on the plus strand (A>G on the coding strand, the complement: SACS is on the minus strand). VCF-style: chr13-23355658-T-C. GRCh37 (hg19) VCF-style: chr13-23929797-T-C.
Other names: c.513A>G, p.Leu171= (NM_001278055.2).
Identifiers: ClinVar variation 311569 (VCV000311569.12), dbSNP rs147412202, ClinGen allele CA6911998.

ClinVar aggregate classification (germline): Conflicting classifications of pathogenicity. Review status: criteria provided, conflicting classifications (1 of 4 stars). 5 submissions from 5 submitters: Uncertain significance (1); Likely benign (4). Last evaluated 2026-06-10.

Conditions:
SACS-related disorder. Also called: SACS-related condition.
Spastic paraplegia. Identifiers: MedGen C0037772, HP:0001258.
Charlevoix-Saguenay spastic ataxia (SACS). Also called: SPASTIC ATAXIA 6, AUTOSOMAL RECESSIVE; AUTOSOMAL RECESSIVE SPASTIC ATAXIA OF CHARLEVOIX-SAGUENAY; Spastic ataxia of Charlevoix-Saguenay. Identifiers: Orphanet 98, MedGen C1849140, MONDO:0010041, OMIM 270550.

Allele frequency attached by ClinVar (database versions not stated): gnomAD 0.00006; TOPMed 0.00006; ESP Exome Variant Server 0.00008.
gnomAD v4.1: 98 of 1,614,064 alleles (0.0061%); highest among the groups gnomAD compares: Admixed American, 0.018%; no homozygotes.

Submissions (5):

Women's Health and Genetics/Laboratory Corporation of America, LabCorp
Classification: Likely benign. Last evaluated: 2026-06-10. Review status: criteria provided, single submitter. Criteria: LabCorp Variant Classification Summary - May 2015. Collection method: clinical testing. Allele origin: germline.

PreventionGenetics, part of Exact Sciences
Classification: Likely benign for SACS-related condition. Last evaluated: 2026-03-12. Review status: criteria provided, single submitter. Criteria: ACMG Guidelines, 2015. Collection method: clinical testing. Allele origin: germline.
Comment: This variant is classified as likely benign based on ACMG/AMP sequence variant interpretation guidelines (Richards et al. 2015 PMID: 25741868, with internal and published modifications).

Labcorp Genetics (formerly Invitae), Labcorp
Classification: Likely benign for Spastic paraplegia. Last evaluated: 2025-06-02. Review status: criteria provided, single submitter. Criteria: Invitae Variant Classification Sherloc (09022015). Collection method: clinical testing. Allele origin: germline.

Blueprint Genetics
Classification: Likely benign. Last evaluated: 2022-11-15. Review status: criteria provided, single submitter. Criteria: ACMG Guidelines, 2015. Collection method: clinical testing. Allele origin: germline.

Illumina Laboratory Services, Illumina
Classification: Uncertain significance for Charlevoix-Saguenay spastic ataxia. Last evaluated: 2018-01-12. Review status: criteria provided, single submitter. Criteria: ICSL Variant Classification Criteria 13 December 2019. Collection method: clinical testing. Allele origin: germline.